The following is an entry in ClinVar:

NM_133259.4(LRPPRC):c.273_288del (p.Asp91fs)

Gene: LRPPRC (leucine rich pentatricopeptide repeat containing; minus strand). Cytogenetic location: 2p21.
Variant type: Deletion.
Coding change: c.273_288del on transcript NM_133259.4 (MANE Select); coding-DNA positions 273 to 288, 16 bases deleted (TCTTTCTGTTCGAAGA).
Protein change: p.Asp91fs; shifts the reading frame from aspartic acid 91.
Molecular consequence: frameshift variant.
Genome position (GRCh38, 1-based): chr2:43,982,296-43,982,311, TCTTCGAACAGAAAGA deleted on the plus strand (TCTTTCTGTTCGAAGA on the coding strand, the reverse complement: LRPPRC is on the minus strand); deleting any 16 consecutive bases within chr2:43,982,296-43,982,314 gives the same sequence; the c. name uses the placement nearest the transcript's 3' end. VCF-style (leftmost placement, unchanged base first): chr2-43982295-TTCTTCGAACAGAAAGA-T. GRCh37 (hg19) VCF-style: chr2-44209434-TTCTTCGAACAGAAAGA-T.
Other names: short protein forms D91fs.
Identifiers: ClinVar variation 5015479 (VCV005015479.1).
Genomic context (GRCh38, chr2:43,982,295, plus strand): 5'-TACCTGAGCGGCAGGTATCATTAAAAACTTTTTGTAGAAGCTTCTTTGGAATGCGGCCAG[TTCTTCGAACAGAAAGA>T]TCTAGTCTCATTAGAGCCCAATCAAACTGATTGGAAATCTTCCTAGAAGAAAAAGTGGAC-3'

ClinVar aggregate classification (germline): Pathogenic (1 of 4 stars; one submission).

Conditions:
Congenital lactic acidosis, Saguenay-Lac-Saint-Jean type (MC4DN5). Also called: CYTOCHROME c OXIDASE DEFICIENCY, FRENCH CANADIAN TYPE; COX DEFICIENCY, FRENCH CANADIAN TYPE; MITOCHONDRIAL COMPLEX IV DEFICIENCY, NUCLEAR TYPE 5. Identifiers: Orphanet 70472, MedGen C1857355, MONDO:0009069, OMIM 220111.

Submission:

Myriad Genetics, Inc.
Classification: Pathogenic for Congenital lactic acidosis, Saguenay-Lac-Saint-Jean type. Last evaluated: 2026-01-25. Review status: criteria provided, single submitter. Criteria: Myriad Autosomal Dominant, Autosomal Recessive and X-Linked Classification Criteria (2023). Collection method: clinical testing. Allele origin: unknown.
Comment: NM_133259.3(LRPPRC):c.273_288del16(D91Efs*23) is expected to be pathogenic in the context of Leigh syndrome, French-Canadian type. This variant is predicted to lead to an abnormal or absent protein product due to the creation of a premature termination codon in LRPPRC, a gene where loss-of-function variants are known to be pathogenic. Please note: this variant was assessed in the context of healthy population screening.